The following is an entry in ClinVar:

ClinVar aggregate classification (germline): Uncertain significance (1 of 4 stars; one submission).

Conditions:
Hereditary cancer-predisposing syndrome. Also called: Neoplastic Syndromes, Hereditary; Tumor predisposition; Hereditary Cancer Syndrome; Hereditary neoplastic syndrome. Identifiers: Orphanet 140162, MedGen C0027672, MeSH D009386, MONDO:0015356.

Submission:

Ambry Genetics
Classification: Uncertain significance for Hereditary cancer-predisposing syndrome. Last evaluated: 2025-11-15. Review status: criteria provided, single submitter. Criteria: Ambry Variant Classification Scheme 2023. Collection method: clinical testing. Allele origin: germline.
Comment: The p.H388R variant (also known as c.1163A>G), located in coding exon 4 of the MSH6 gene, results from an A to G substitution at nucleotide position 1163. The histidine at codon 388 is replaced by arginine, an amino acid with highly similar properties. This amino acid position is conserved. In addition, the in silico prediction for this alteration is inconclusive. Based on the available evidence, the clinical significance of this variant remains unclear.

NM_000179.3(MSH6):c.1163A>G (p.His388Arg)

Gene: MSH6 (mutS homolog 6; plus strand). Cytogenetic location: 2p16.3.
Variant type: single nucleotide variant.
Coding change: c.1163A>G on transcript NM_000179.3 (MANE Select); coding-DNA position 1163, A replaced by G.
Protein change: p.His388Arg; replaces histidine 388 with arginine.
Molecular consequence: missense variant. On other transcripts: non-coding transcript variant (4), intron variant (1).
Genome position (GRCh38, 1-based): chr2:47,799,146, A>G. VCF-style: chr2-47799146-A-G. GRCh37 (hg19) VCF-style: chr2-48026285-A-G.
Other names: c.773A>G, p.His258Arg (NM_001281492.2); c.257A>G, p.His86Arg (NM_001281493.2, NM_001281494.2, NM_001406811.1 and 6 more transcripts); c.1259A>G, p.His420Arg (NM_001406795.1, NM_001406802.1); c.1163A>G, p.His388Arg (NM_001406796.1, NM_001406798.1, NM_001406800.1 and 4 more transcripts); c.866A>G, p.His289Arg (NM_001406797.1, NM_001406801.1, NM_001406805.1 and 10 more transcripts); c.638A>G, p.His213Arg (NM_001406799.1, NM_001406806.1, NM_001406807.1); c.1085A>G, p.His362Arg (NM_001406804.1); c.1169A>G, p.His390Arg (NM_001406813.1); and 2 more; short protein forms H332R, H390R, H420R, H86R, H213R, H258R, H362R, H289R.
Identifiers: ClinVar variation 4658122 (VCV004658122.1).